The following is an entry in ClinVar:

ClinVar aggregate classification (germline): Uncertain significance (1 of 4 stars; one submission).

Conditions:
Amyotrophic lateral sclerosis type 1 (ALS1). Also called: AMYOTROPHIC LATERAL SCLEROSIS 1, FAMILIAL. Identifiers: Orphanet 803, MedGen C1862939, MONDO:0007103, OMIM 105400.
Perry syndrome. Also called: PARKINSONISM WITH ALVEOLAR HYPOVENTILATION AND MENTAL DEPRESSION. Identifiers: Orphanet 178509, MedGen C1868594, MONDO:0008201, OMIM 168605.
Neuronopathy, distal hereditary motor, type 7B. Also called: NEURONOPATHY, DISTAL HEREDITARY MOTOR, AUTOSOMAL DOMINANT 14; NEURONOPATHY, DISTAL HEREDITARY MOTOR, HARDING TYPE VIIB; NEUROPATHY, DISTAL HEREDITARY MOTOR, HARDING TYPE VIIB; NEUROPATHY, DISTAL HEREDITARY MOTOR, WITH VOCAL CORD PARALYSIS, HARDING TYPE VIIB; HMN VIIB; LOWER MOTOR NEURON DISEASE, DYNACTIN TYPE. Identifiers: Orphanet 139589, MedGen C1843315, MONDO:0011879, OMIM 607641.

Allele frequency attached by ClinVar (database versions not stated): TOPMed below 0.00001; gnomAD 0.00001; gnomAD exomes 0.00002.
gnomAD v4.1: 72 of 1,614,026 alleles (0.0045%); highest among the groups gnomAD compares: Non-Finnish European, 0.0058%; no homozygotes.

Submission:

Labcorp Genetics (formerly Invitae), Labcorp
Classification: Uncertain significance for Amyotrophic lateral sclerosis type 1; Neuronopathy, distal hereditary motor, type 7B; Perry syndrome. Last evaluated: 2025-07-28. Review status: criteria provided, single submitter. Criteria: Invitae Variant Classification Sherloc (09022015). Collection method: clinical testing. Allele origin: germline.
Comment: This sequence change replaces histidine, which is basic and polar, with tyrosine, which is neutral and polar, at codon 695 of the DCTN1 protein (p.His695Tyr). This variant is present in population databases (rs756952260, gnomAD 0.004%). This variant has not been reported in the literature in individuals affected with DCTN1-related conditions. ClinVar contains an entry for this variant (Variation ID: 661544). Invitae Evidence Modeling of protein sequence and biophysical properties (such as structural, functional, and spatial information, amino acid conservation, physicochemical variation, residue mobility, and thermodynamic stability) indicates that this missense variant is not expected to disrupt DCTN1 protein function with a negative predictive value of 95%. In summary, the available evidence is currently insufficient to determine the role of this variant in disease. Therefore, it has been classified as a Variant of Uncertain Significance.

NM_004082.5(DCTN1):c.2083C>T (p.His695Tyr)

Gene: DCTN1 (dynactin subunit 1; minus strand). Cytogenetic location: 2p13.1.
Variant type: single nucleotide variant.
Coding change: c.2083C>T on transcript NM_004082.5 (MANE Select); coding-DNA position 2083, C replaced by T.
Protein change: p.His695Tyr; replaces histidine 695 with tyrosine.
Molecular consequence: missense variant. On other transcripts: non-coding transcript variant (1).
Genome position (GRCh38, 1-based): chr2:74,367,797, G>A on the plus strand (C>T on the coding strand, the complement: DCTN1 is on the minus strand). VCF-style: chr2-74367797-G-A. GRCh37 (hg19) VCF-style: chr2-74594924-G-A.
Other names: c.2023C>T, p.His675Tyr (NM_001135040.3); c.1681C>T, p.His561Tyr (NM_001135041.3, NM_023019.4); c.1972C>T, p.His658Tyr (NM_001190836.2); c.2062C>T, p.His688Tyr (NM_001190837.2); c.2032C>T, p.His678Tyr (NM_001378991.1); c.2014C>T, p.His672Tyr (NM_001378992.1); short protein forms H688Y, H695Y, H675Y, H561Y, H658Y, H672Y, H678Y.
Identifiers: ClinVar variation 661544 (VCV000661544.9), dbSNP rs756952260, ClinGen allele CA50475281.
Genomic context (GRCh38, chr2:74,367,797, plus strand): 5'-CAGTCTCATCCAGCTGATCCTTGTGCAGCAGTTCAATGAGGAAATCCAAGGAGCGCTCAT[G>A]GGCACTCATCTCAGGGTACAGGCTGCCCACTTTCTTATACACATCCACACTGCACTGAGA-3'
Protein context (NP_004073.2, residues 685-705): VGSLYPEMSA[His695Tyr]ERSLDFLIEL